The following is an entry in ClinVar:

NM_015450.3(POT1):c.848C>G (p.Ser283Cys)

Gene: POT1 (protection of telomeres 1; minus strand). Cytogenetic location: 7q31.33.
Variant type: single nucleotide variant.
Coding change: c.848C>G on transcript NM_015450.3 (MANE Select); coding-DNA position 848, C replaced by G.
Protein change: p.Ser283Cys; replaces serine 283 with cysteine.
Molecular consequence: missense variant. On other transcripts: non-coding transcript variant (3).
Genome position (GRCh38, 1-based): chr7:124,852,993, G>C on the plus strand (C>G on the coding strand, the complement: POT1 is on the minus strand). VCF-style: chr7-124852993-G-C. GRCh37 (hg19) VCF-style: chr7-124493047-G-C.
Other names: c.455C>G, p.Ser152Cys (NM_001042594.2); short protein forms S283C, S152C.
Identifiers: ClinVar variation 4141938 (VCV004141938.1).
Genomic context (GRCh38, chr7:124,852,993, plus strand): 5'-CGATACCTTATTTACATTTTCTAAATACTAAAAGCTTACTTTTTCAGTTGATCCACATCA[G>C]AGTTACTTTCTGGCAAGACCCTGATTCCCCGACCGTAACTGGTACCTCCATGAAGATGAA-3'
Protein context (NP_056265.2, residues 273-293): RGIRVLPESN[Ser283Cys]DVDQLKKDLE

ClinVar aggregate classification (germline): Uncertain significance (1 of 4 stars; one submission).

Conditions:
Hereditary cancer-predisposing syndrome. Also called: Hereditary neoplastic syndrome; Neoplastic Syndromes, Hereditary; Tumor predisposition; Hereditary Cancer Syndrome. Identifiers: Orphanet 140162, MedGen C0027672, MeSH D009386, MONDO:0015356.

Submission:

Ambry Genetics
Classification: Uncertain significance for Hereditary cancer-predisposing syndrome. Last evaluated: 2025-07-19. Review status: criteria provided, single submitter. Criteria: Ambry Variant Classification Scheme 2023. Collection method: clinical testing. Allele origin: germline.
Comment: The p.S283C variant (also known as c.848C>G), located in coding exon 6 of the POT1 gene, results from a C to G substitution at nucleotide position 848. The serine at codon 283 is replaced by cysteine, an amino acid with dissimilar properties. This amino acid position is conserved. In addition, this alteration is predicted to be tolerated by in silico analysis. Based on the available evidence, the clinical significance of this variant remains unclear.